The following is an entry in ClinVar:

NM_000444.6(PHEX):c.1334C>A (p.Ala445Asp)

Gene: PHEX (phosphate regulating endopeptidase X-linked; plus strand). Cytogenetic location: Xp22.11.
Variant type: single nucleotide variant.
Coding change: c.1334C>A on transcript NM_000444.6 (MANE Select); coding-DNA position 1334, C replaced by A.
Protein change: p.Ala445Asp; replaces alanine 445 with aspartic acid.
Molecular consequence: missense variant.
Genome position (GRCh38, 1-based): chrX:22,133,554, C>A. VCF-style: chrX-22133554-C-A. GRCh37 (hg19) VCF-style: chrX-22151671-C-A.
Other names: c.1334C>A, p.Ala445Asp (NM_001282754.2); short protein forms A445D.
Identifiers: ClinVar variation 1068119 (VCV001068119.9), dbSNP rs2147086411, ClinGen allele CA412574597.
Genomic context (GRCh38, chrX:22,133,554, plus strand): 5'-ACGTTCCCTCTTTGGGTATTTTCTTGTAGATGGAGGAATTGGTTGAGGGCGTTCGCTGGG[C>A]CTTTATTGACATGCTAGAGAAAGAAAATGAGTGGATGGATGCAGGAACGAAAAGGAAAGC-3'
Protein context (NP_000435.3, residues 435-455): MEELVEGVRW[Ala445Asp]FIDMLEKENE

ClinVar aggregate classification (germline): Likely pathogenic (1 of 4 stars; one submission).

Submission:

Labcorp Genetics (formerly Invitae), Labcorp
Classification: Likely pathogenic. Last evaluated: 2020-07-21. Review status: criteria provided, single submitter. Criteria: Invitae Variant Classification Sherloc (09022015). Collection method: clinical testing. Allele origin: germline.
Comment: In summary, the currently available evidence indicates that the variant is pathogenic, but additional data are needed to prove that conclusively. Therefore, this variant has been classified as Likely Pathogenic. Advanced modeling of protein sequence and biophysical properties (such as structural, functional, and spatial information, amino acid conservation, physicochemical variation, residue mobility, and thermodynamic stability) performed at Invitae indicates that this missense variant is expected to disrupt PHEX protein function. This variant has been observed in an individuals with hypophosphatemic rickets (Invitae). This variant is not present in population databases (ExAC no frequency). This sequence change replaces alanine with aspartic acid at codon 445 of the PHEX protein (p.Ala445Asp). The alanine residue is highly conserved and there is a moderate physicochemical difference between alanine and aspartic acid.